The following is an entry in ClinVar:

NM_002480.3(PPP1R12A):c.2017G>A (p.Val673Ile)

Gene: PPP1R12A (protein phosphatase 1 regulatory subunit 12A; minus strand). Cytogenetic location: 12q21.2.
Variant type: single nucleotide variant.
Coding change: c.2017G>A on transcript NM_002480.3 (MANE Select); coding-DNA position 2017, G replaced by A.
Protein change: p.Val673Ile; replaces valine 673 with isoleucine.
Molecular consequence: missense variant.
Genome position (GRCh38, 1-based): chr12:79,798,568, C>T on the plus strand (G>A on the coding strand, the complement: PPP1R12A is on the minus strand). VCF-style: chr12-79798568-C-T. GRCh37 (hg19) VCF-style: chr12-80192348-C-T.
Other names: c.2017G>A, p.Val673Ile (NM_001143885.2, NM_001244990.2); c.1756G>A, p.Val586Ile (NM_001143886.2); c.1849G>A, p.Val617Ile (NM_001244992.1); short protein forms V586I, V617I, V673I.
Identifiers: ClinVar variation 4885721 (VCV004885721.2).

ClinVar aggregate classification (germline): Uncertain significance (1 of 4 stars; one submission).

gnomAD v4.1: 1 of 1,561,968 alleles (0.000064%); highest among the groups gnomAD compares: Admixed American, 0.0019%; no homozygotes.

Submission:

Dasa
Classification: Uncertain significance. Last evaluated: 2026-03-19. Review status: criteria provided, single submitter. Criteria: DASA Assertion Criteria. Collection method: clinical testing. Allele origin: germline.
Comment: NM_002480.3(PPP1R12A):c.2017G>A (p.Val673Ile) is a missense variant that results in the substitution of valine with isoleucine. This variant is rare in population databases. The currently available literature and clinical evidence are not sufficient to establish a definitive association between this variant and the reported condition. Therefore, this variant is classified as a variant of uncertain significance.